The following is an entry in ClinVar:

NM_001458.5(FLNC):c.709C>T (p.Pro237Ser)

Gene: FLNC (filamin C; plus strand). Cytogenetic location: 7q32.1.
Variant type: single nucleotide variant.
Coding change: c.709C>T on transcript NM_001458.5 (MANE Select); coding-DNA position 709, C replaced by T.
Protein change: p.Pro237Ser; replaces proline 237 with serine.
Molecular consequence: missense variant.
Genome position (GRCh38, 1-based): chr7:128,837,407, C>T. VCF-style: chr7-128837407-C-T. GRCh37 (hg19) VCF-style: chr7-128477461-C-T.
Other names: c.709C>T, p.Pro237Ser (NM_001127487.2); short protein forms P237S.
Identifiers: ClinVar variation 3515943 (VCV003515943.1).

ClinVar aggregate classification (germline): Uncertain significance (1 of 4 stars; one submission).

Conditions:
Cardiovascular phenotype. Identifiers: MedGen CN230736.

Submission:

Ambry Genetics
Classification: Uncertain significance for Cardiovascular phenotype. Last evaluated: 2024-09-14. Review status: criteria provided, single submitter. Criteria: Ambry Variant Classification Scheme 2023. Collection method: clinical testing. Allele origin: germline.
Comment: The p.P237S variant (also known as c.709C>T), located in coding exon 4 of the FLNC gene, results from a C to T substitution at nucleotide position 709. The proline at codon 237 is replaced by serine, an amino acid with similar properties. This amino acid position is conserved. In addition, this alteration is predicted to be deleterious by in silico analysis. Based on the available evidence, the clinical significance of this variant remains unclear.